The following is an entry in ClinVar:

NM_003179.3(SYP):c.853G>A (p.Gly285Ser)

Gene: SYP (synaptophysin; minus strand). Cytogenetic location: Xp11.23.
Variant type: single nucleotide variant.
Coding change: c.853G>A on transcript NM_003179.3 (MANE Select); coding-DNA position 853, G replaced by A.
Protein change: p.Gly285Ser; replaces glycine 285 with serine.
Molecular consequence: missense variant.
Genome position (GRCh38, 1-based): chrX:49,191,526, C>T on the plus strand (G>A on the coding strand, the complement: SYP is on the minus strand). VCF-style: chrX-49191526-C-T. GRCh37 (hg19) VCF-style: chrX-49047983-C-T.
Other names: short protein forms G285S.
Identifiers: ClinVar variation 1802096 (VCV001802096.1), dbSNP rs782138862, ClinGen allele CA10409704.

ClinVar aggregate classification (germline): Uncertain significance (1 of 4 stars; one submission).

Allele frequency attached by ClinVar (database versions not stated): gnomAD 0.00001; gnomAD exomes 0.00001; TOPMed 0.00002; ExAC 0.00003.
gnomAD v4.1: 8 of 1,210,067 alleles (0.00066%); highest among the groups gnomAD compares: Middle Eastern, 0.046%; no homozygotes.

Submission:

GeneDx
Classification: Uncertain significance. Last evaluated: 2022-06-01. Review status: criteria provided, single submitter. Criteria: GeneDx Variant Classification Process June 2021. Collection method: clinical testing. Allele origin: germline. Affected: yes.
Comment: In silico analysis supports that this missense variant does not alter protein structure/function; Has not been previously published as pathogenic or benign to our knowledge